The following is an entry in ClinVar:

NM_139057.4(ADAMTS17):c.2635_2638del (p.Lys879fs)

Gene: ADAMTS17 (ADAM metallopeptidase with thrombospondin type 1 motif 17; minus strand). Cytogenetic location: 15q26.3.
Variant type: Deletion.
Coding change: c.2635_2638del on transcript NM_139057.4 (MANE Select); coding-DNA positions 2635 to 2638, 4 bases deleted (AAAG; older notation c.2635_2638delAAAG).
Protein change: p.Lys879fs; shifts the reading frame from lysine 879.
Molecular consequence: frameshift variant.
Genome position (GRCh38, 1-based): chr15:99,997,543-99,997,546, CTTT deleted on the plus strand (AAAG on the coding strand, the reverse complement: ADAMTS17 is on the minus strand); deleting any 4 consecutive bases within chr15:99,997,543-99,997,548 gives the same sequence; the c. name uses the placement nearest the transcript's 3' end. VCF-style (leftmost placement, unchanged base first): chr15-99997542-CCTTT-C. GRCh37 (hg19) VCF-style: chr15-100537747-CCTTT-C.
Other names: short protein forms K879fs.
Identifiers: ClinVar variation 2032271 (VCV002032271.4), dbSNP rs2548004546, ClinGen allele CA2580090388.

ClinVar aggregate classification (germline): Pathogenic (1 of 4 stars; one submission).

Submission:

Labcorp Genetics (formerly Invitae), Labcorp
Classification: Pathogenic. Last evaluated: 2023-04-06. Review status: criteria provided, single submitter. Criteria: Invitae Variant Classification Sherloc (09022015). Collection method: clinical testing. Allele origin: germline.
Comment: This sequence change creates a premature translational stop signal (p.Lys879Alafs*7) in the ADAMTS17 gene. It is expected to result in an absent or disrupted protein product. Loss-of-function variants in ADAMTS17 are known to be pathogenic (PMID: 19836009, 24940034). This variant is not present in population databases (gnomAD no frequency). This variant has not been reported in the literature in individuals affected with ADAMTS17-related conditions. ClinVar contains an entry for this variant (Variation ID: 2032271). For these reasons, this variant has been classified as Pathogenic.

Literature cited by the submitters: PubMed 19836009; PubMed 24940034.